The following is an entry in ClinVar:

NM_152383.5(DIS3L2):c.1067C>T (p.Pro356Leu)

Gene: DIS3L2 (DIS3 like 3'-5' exoribonuclease 2; plus strand). Cytogenetic location: 2q37.1.
Variant type: single nucleotide variant.
Coding change: c.1067C>T on transcript NM_152383.5 (MANE Select); coding-DNA position 1067, C replaced by T.
Protein change: p.Pro356Leu; replaces proline 356 with leucine.
Molecular consequence: missense variant. On other transcripts: non-coding transcript variant (2).
Genome position (GRCh38, 1-based): chr2:232,163,575, C>T. VCF-style: chr2-232163575-C-T. GRCh37 (hg19) VCF-style: chr2-233028285-C-T.
Other names: c.1067C>T, p.Pro356Leu (NM_001257281.2); short protein forms P356L.
Identifiers: ClinVar variation 1037414 (VCV001037414.8), dbSNP rs1690718818, ClinGen allele CA351154411.

ClinVar aggregate classification (germline): Uncertain significance (1 of 4 stars; one submission).

Conditions:
Perlman syndrome (PRLMNS). Identifiers: Orphanet 2849, MedGen C0796113, MONDO:0009965, OMIM 267000.

Allele frequency attached by ClinVar (database versions not stated): gnomAD exomes below 0.00001.
gnomAD v4.1: 1 of 1,614,082 alleles (0.000062%); highest among the groups gnomAD compares: Non-Finnish European, 0.000085%; no homozygotes.

Submission:

Labcorp Genetics (formerly Invitae), Labcorp
Classification: Uncertain significance for Perlman syndrome. Last evaluated: 2020-09-11. Review status: criteria provided, single submitter. Criteria: Invitae Variant Classification Sherloc (09022015). Collection method: clinical testing. Allele origin: germline.
Comment: This sequence change replaces proline with leucine at codon 356 of the DIS3L2 protein (p.Pro356Leu). The proline residue is highly conserved and there is a moderate physicochemical difference between proline and leucine. This variant is not present in population databases (ExAC no frequency). This variant has not been reported in the literature in individuals with DIS3L2-related conditions. In summary, the available evidence is currently insufficient to determine the role of this variant in disease. Therefore, it has been classified as a Variant of Uncertain Significance. Algorithms developed to predict the effect of missense changes on protein structure and function are either unavailable or do not agree on the potential impact of this missense change (SIFT: "Deleterious"; PolyPhen-2: "Probably Damaging"; Align-GVGD: "Class C0").